The following is an entry in ClinVar:

NM_001165963.4(SCN1A):c.2502C>G (p.Ile834Met)

Gene: SCN1A (sodium voltage-gated channel alpha subunit 1; minus strand). Cytogenetic location: 2q24.3.
Variant type: single nucleotide variant.
Coding change: c.2502C>G on transcript NM_001165963.4 (MANE Select); coding-DNA position 2502, C replaced by G.
Protein change: p.Ile834Met; replaces isoleucine 834 with methionine.
Molecular consequence: missense variant. On other transcripts: non-coding transcript variant (1).
Genome position (GRCh38, 1-based): chr2:166,039,510, G>C on the plus strand (C>G on the coding strand, the complement: SCN1A is on the minus strand). VCF-style: chr2-166039510-G-C. GRCh37 (hg19) VCF-style: chr2-166896020-G-C.
Other names: c.2418C>G, p.Ile806Met (NM_001165964.3, NM_001353957.2, NM_001353958.2); c.2502C>G, p.Ile834Met (NM_001202435.3, NM_001353948.2); c.2469C>G, p.Ile823Met (NM_001353949.2, NM_001353950.2, NM_001353951.2 and 2 more transcripts); c.2466C>G, p.Ile822Met (NM_001353954.2, NM_001353955.2); c.2415C>G, p.Ile805Met (NM_001353960.2); c.60C>G, p.Ile20Met (NM_001353961.2); short protein forms I20M, I805M, I806M, I822M, I823M, I834M.
Identifiers: ClinVar variation 4681001 (VCV004681001.1).

ClinVar aggregate classification (germline): Uncertain significance (1 of 4 stars; one submission).

gnomAD v4.1: 1 of 1,612,940 alleles (0.000062%); highest among the groups gnomAD compares: Non-Finnish European, 0.000085%; no homozygotes.

Submission:

GeneDx
Classification: Uncertain significance. Last evaluated: 2025-07-03. Review status: criteria provided, single submitter. Criteria: GeneDx Variant Classification Process June 2021. Collection method: clinical testing. Allele origin: germline. Affected: yes.
Comment: Not observed at significant frequency in large population cohorts (gnomAD); In silico analysis supports that this missense variant has a deleterious effect on protein structure/function; Has not been previously published as pathogenic or benign to our knowledge; This substitution is predicted to be within the transmembrane segment S3 of the second homologous domain